The following is an entry in ClinVar:

NM_000297.4(PKD2):c.774_778del (p.Asp259fs)

Gene: PKD2 (polycystin 2, transient receptor potential cation channel; plus strand). Cytogenetic location: 4q22.1.
Variant type: Deletion.
Coding change: c.774_778del on transcript NM_000297.4 (MANE Select); coding-DNA positions 774 to 778, 5 bases deleted (AGACA; older notation c.774_778delAGACA).
Protein change: p.Asp259fs; shifts the reading frame from aspartic acid 259.
Molecular consequence: frameshift variant. On other transcripts: non-coding transcript variant (1).
Genome position (GRCh38, 1-based): chr4:88,036,284-88,036,288, AGACA deleted. VCF-style (leftmost placement, unchanged base first): chr4-88036283-TAGACA-T. GRCh37 (hg19) VCF-style: chr4-88957435-TAGACA-T.
Other names: short protein forms D259fs.
Identifiers: ClinVar variation 3382888 (VCV003382888.2).
Genomic context (GRCh38, chr4:88,036,283, plus strand): 5'-CCTACGGCATGATGAGCTCCAATGTGTACTACTACACCCGGATGATGTCACAGCTCTTCC[TAGACA>T]CCCCCGTGTCCAAAACGGAGAAAACTAACTTTAAAACTCTGTCTTCCATGGAAGACTTCT-3'

ClinVar aggregate classification (germline): Pathogenic (1 of 4 stars; one submission).

Conditions:
Polycystic kidney disease 2 (PKD2). Also called: POLYCYSTIC KIDNEY DISEASE, ADULT, TYPE II; Polycystic Kidney Disease 2, Autosomal Dominant; POLYCYSTIC KIDNEY DISEASE 2 WITH OR WITHOUT POLYCYSTIC LIVER DISEASE. Identifiers: MedGen C2751306, MONDO:0013131, OMIM 613095.

Submission:

Juno Genomics, Hangzhou Juno Genomics, Inc
Classification: Pathogenic for Polycystic kidney disease 2. Review status: criteria provided, single submitter. Criteria: ACMG Guidelines, 2015. Collection method: clinical testing. Allele origin: germline. Affected: yes.
Comment: Null variant in a gene where loss of function (LOF) is a known mechanism of disease.;Absent from controls (or at extremely low frequency if recessive) in Genome Aggregation Database, Exome Sequencing Project, 1000 Genomes Project, or Exome Aggregation Consortium.;Patient's phenotype or family history is highly specific for a disease with a single genetic etiology.